The following is an entry in ClinVar:

ClinVar aggregate classification (germline): Uncertain significance. Review status: criteria provided, multiple submitters, no conflicts (2 of 4 stars). 2 submissions from 2 submitters: Uncertain significance (2). Last evaluated 2024-06-24.

Conditions:
Focal segmental glomerulosclerosis 3, susceptibility to (FSGS3). Identifiers: Orphanet 656, MedGen C1842982, MONDO:0011917, OMIM 607832.

Allele frequency attached by ClinVar (database versions not stated): gnomAD 0.00005; TOPMed 0.00006; ExAC 0.00007; ESP Exome Variant Server 0.00015.
gnomAD v4.1: 70 of 1,613,878 alleles (0.0043%); highest among the groups gnomAD compares: South Asian, 0.0077%; no homozygotes.

Submissions (2):

Fulgent Genetics
Classification: Uncertain significance for Focal segmental glomerulosclerosis 3, susceptibility to. Last evaluated: 2024-06-24. Review status: criteria provided, single submitter. Criteria: ACMG Guidelines, 2015. Collection method: clinical testing. Allele origin: germline.

Labcorp Genetics (formerly Invitae), Labcorp
Classification: Uncertain significance. Last evaluated: 2022-08-29. Review status: criteria provided, single submitter. Criteria: Invitae Variant Classification Sherloc (09022015). Collection method: clinical testing. Allele origin: germline.
Comment: This sequence change replaces serine, which is neutral and polar, with arginine, which is basic and polar, at codon 234 of the CD2AP protein (p.Ser234Arg). This variant is present in population databases (rs149993734, gnomAD 0.009%). This variant has not been reported in the literature in individuals affected with CD2AP-related conditions. Algorithms developed to predict the effect of missense changes on protein structure and function (SIFT, PolyPhen-2, Align-GVGD) all suggest that this variant is likely to be tolerated. In summary, the available evidence is currently insufficient to determine the role of this variant in disease. Therefore, it has been classified as a Variant of Uncertain Significance.

NM_012120.3(CD2AP):c.702T>A (p.Ser234Arg)

Gene: CD2AP (CD2 associated protein; plus strand). Cytogenetic location: 6p12.3.
Variant type: single nucleotide variant.
Coding change: c.702T>A on transcript NM_012120.3 (MANE Select); coding-DNA position 702, T replaced by A.
Protein change: p.Ser234Arg; replaces serine 234 with arginine.
Molecular consequence: missense variant.
Genome position (GRCh38, 1-based): chr6:47,574,224, T>A. VCF-style: chr6-47574224-T-A. GRCh37 (hg19) VCF-style: chr6-47541960-T-A.
Other names: short protein forms S234R.
Identifiers: ClinVar variation 1970482 (VCV001970482.6), dbSNP rs149993734, ClinGen allele CA3844060.